The following is an entry in ClinVar:

NM_018249.6(CDK5RAP2):c.4673G>A (p.Arg1558Gln)

Gene: CDK5RAP2 (CDK5 regulatory subunit associated protein 2; minus strand). Cytogenetic location: 9q33.2.
Variant type: single nucleotide variant.
Coding change: c.4673G>A on transcript NM_018249.6 (MANE Select); coding-DNA position 4673, G replaced by A.
Protein change: p.Arg1558Gln; replaces arginine 1558 with glutamine.
Molecular consequence: missense variant. On other transcripts: non-coding transcript variant (5).
Genome position (GRCh38, 1-based): chr9:120,408,400, C>T on the plus strand (G>A on the coding strand, the complement: CDK5RAP2 is on the minus strand). VCF-style: chr9-120408400-C-T. GRCh37 (hg19) VCF-style: chr9-123170678-C-T.
Other names: c.4673G>A, p.Arg1558Gln (NM_001011649.3); c.3983G>A, p.Arg1328Gln (NM_001272039.2); c.4673G>A (NM_018249.4); short protein forms R1328Q, R1558Q.
Identifiers: ClinVar variation 1676794 (VCV001676794.4), dbSNP rs377338416, ClinGen allele CA5213488.

ClinVar aggregate classification (germline): Uncertain significance. Review status: criteria provided, multiple submitters, no conflicts (2 of 4 stars). 2 submissions from 2 submitters: Uncertain significance (2). Last evaluated 2025-02-12.

Conditions:
Inborn genetic diseases. Identifiers: MedGen C0950123, MeSH D030342.

Allele frequency attached by ClinVar (database versions not stated): ExAC 0.00002; gnomAD exomes 0.00004; ESP Exome Variant Server 0.00008.
gnomAD v4.1: 37 of 1,614,074 alleles (0.0023%); highest among the groups gnomAD compares: Non-Finnish European, 0.0027%; no homozygotes.

Submissions (2):

Ambry Genetics
Classification: Uncertain significance for Inborn genetic diseases. Last evaluated: 2025-02-12. Review status: criteria provided, single submitter. Criteria: Ambry Variant Classification Scheme 2023. Collection method: clinical testing. Allele origin: germline.

Centre of Medical Genetics, University Hospital Muenster
Classification: Uncertain significance. Last evaluated: 2022-02-15. Review status: criteria provided, single submitter. Criteria: ACMG Guidelines, 2015. Collection method: clinical testing. Allele origin: unknown. Affected: yes. Observed: 1 variant allele, 1 heterozygote.
Comment: ACMG categories: PM2